The following is an entry in ClinVar:

NM_020754.4(ARHGAP31):c.1422G>T (p.Glu474Asp)

Gene: ARHGAP31 (Rho GTPase activating protein 31; plus strand). Cytogenetic location: 3q13.33.
Variant type: single nucleotide variant.
Coding change: c.1422G>T on transcript NM_020754.4 (MANE Select); coding-DNA position 1422, G replaced by T.
Protein change: p.Glu474Asp; replaces glutamic acid 474 with aspartic acid.
Molecular consequence: missense variant.
Genome position (GRCh38, 1-based): chr3:119,402,174, G>T. VCF-style: chr3-119402174-G-T. GRCh37 (hg19) VCF-style: chr3-119121021-G-T.
Other names: short protein forms E474D.
Identifiers: ClinVar variation 1898263 (VCV001898263.5), dbSNP rs1472767526, ClinGen allele CA354039318.
Genomic context (GRCh38, chr3:119,402,174, plus strand): 5'-CTACACTTCGAACGACAGCCCTAGCAAATCCGTCTTCACCAGCAGCCTCTTCCAGATGGA[G>T]CCCTCGCCGCGTAACCAGCGCAAGGCGCTGAACATCTCCGAGCCCTTTGCGGTATCTGTG-3'
Protein context (NP_065805.2, residues 464-484): SVFTSSLFQM[Glu474Asp]PSPRNQRKAL

ClinVar aggregate classification (germline): Uncertain significance (1 of 4 stars; one submission).

Allele frequency attached by ClinVar (database versions not stated): gnomAD exomes below 0.00001.
gnomAD v4.1: 5 of 1,614,268 alleles (0.00031%); highest among the groups gnomAD compares: Admixed American, 0.0083%; no homozygotes.

Submission:

Labcorp Genetics (formerly Invitae), Labcorp
Classification: Uncertain significance. Last evaluated: 2024-02-24. Review status: criteria provided, single submitter. Criteria: Invitae Variant Classification Sherloc (09022015). Collection method: clinical testing. Allele origin: germline.
Comment: This sequence change replaces glutamic acid, which is acidic and polar, with aspartic acid, which is acidic and polar, at codon 474 of the ARHGAP31 protein (p.Glu474Asp). This variant is present in population databases (no rsID available, gnomAD no frequency). This variant has not been reported in the literature in individuals affected with ARHGAP31-related conditions. ClinVar contains an entry for this variant (Variation ID: 1898263). An algorithm developed to predict the effect of missense changes on protein structure and function (PolyPhen-2) suggests that this variant is likely to be disruptive. In summary, the available evidence is currently insufficient to determine the role of this variant in disease. Therefore, it has been classified as a Variant of Uncertain Significance.